The following is an entry in ClinVar:

NM_000179.3(MSH6):c.122C>G (p.Ser41Cys)

Gene: MSH6 (mutS homolog 6; plus strand). Cytogenetic location: 2p16.3.
Variant type: single nucleotide variant.
Coding change: c.122C>G on transcript NM_000179.3 (MANE Select); coding-DNA position 122, C replaced by G.
Protein change: p.Ser41Cys; replaces serine 41 with cysteine.
Molecular consequence: missense variant. On other transcripts: 5 prime UTR variant (1).
Genome position (GRCh38, 1-based): chr2:47,783,355, C>G. VCF-style: chr2-47783355-C-G. GRCh37 (hg19) VCF-style: chr2-48010494-C-G.
Other names: c.122C>G, p.Ser41Cys (NM_001281492.2); c.-615C>G (NM_001281493.2); short protein forms S41C.
Identifiers: ClinVar variation 947314 (VCV000947314.10), dbSNP rs876658985, ClinGen allele CA346734871.
Genomic context (GRCh38, chr2:47,783,355, plus strand): 5'-ACAAGGCCTCGGCCAGGGCCTCACGCGAAGGCGGCCGTGCCGCCGCTGCCCCCGGGGCCT[C>G]TCCTTCCCCAGGCGGGGATGCGGCCTGGAGCGAGGCTGGGCCTGGGCCCAGGCCCTTGGC-3'
Protein context (NP_000170.1, residues 31-51): GGRAAAAPGA[Ser41Cys]PSPGGDAAWS

ClinVar aggregate classification (germline): Uncertain significance (1 of 4 stars; one submission).

Conditions:
Hereditary nonpolyposis colorectal neoplasms. Identifiers: MedGen C0009405, MeSH D003123.

Submission:

Labcorp Genetics (formerly Invitae), Labcorp
Classification: Uncertain significance for Hereditary nonpolyposis colorectal neoplasms. Last evaluated: 2025-03-14. Review status: criteria provided, single submitter. Criteria: Invitae Variant Classification Sherloc (09022015). Collection method: clinical testing. Allele origin: germline.
Comment: This sequence change replaces serine, which is neutral and polar, with cysteine, which is neutral and slightly polar, at codon 41 of the MSH6 protein (p.Ser41Cys). This variant is not present in population databases (gnomAD no frequency). This missense change has been observed in individual(s) with breast cancer (PMID: 35449176). ClinVar contains an entry for this variant (Variation ID: 947314). Invitae Evidence Modeling of protein sequence and biophysical properties (such as structural, functional, and spatial information, amino acid conservation, physicochemical variation, residue mobility, and thermodynamic stability) indicates that this missense variant is not expected to disrupt MSH6 protein function with a negative predictive value of 95%. In summary, the available evidence is currently insufficient to determine the role of this variant in disease. Therefore, it has been classified as a Variant of Uncertain Significance.

Literature cited by the submitters: PubMed 35449176.